The following is an entry in ClinVar:

ClinVar aggregate classification (germline): Pathogenic (1 of 4 stars; one submission).

Conditions:
Usher syndrome type 1 (USH1). Also called: RETINITIS PIGMENTOSA AND CONGENITAL DEAFNESS. Identifiers: Orphanet 231169, Orphanet 886, MedGen C1568247, MONDO:0010168, OMIM 276900.

Submission:

Myriad Genetics, Inc.
Classification: Pathogenic for Usher syndrome type 1. Last evaluated: 2025-04-03. Review status: criteria provided, single submitter. Criteria: Myriad Autosomal Dominant, Autosomal Recessive and X-Linked Classification Criteria (2023). Collection method: clinical testing. Allele origin: unknown.
Comment: NM_000260.3(MYO7A):c.969_970dupTG(A324Vfs*39) is expected to be pathogenic in the context of MYO7A-related disorders. This variant is predicted to lead to an abnormal or absent protein product due to the creation of a premature termination codon in MYO7A, a gene where loss-of-function variants are known to be pathogenic. Please note: this variant was assessed in the context of healthy population screening.

NM_000260.4(MYO7A):c.969_970dup (p.Ala324fs)

Gene: MYO7A (myosin VIIA; plus strand). Cytogenetic location: 11q13.5.
Variant type: Duplication.
Coding change: c.969_970dup on transcript NM_000260.4 (MANE Select); coding-DNA positions 969 to 970, 2 bases duplicated (TG; older notation c.969_970dupTG).
Protein change: p.Ala324fs; shifts the reading frame from alanine 324.
Molecular consequence: frameshift variant.
Genome position (GRCh38, 1-based): chr11:77,158,396-77,158,397, TG duplicated. VCF-style (leftmost placement, unchanged base first): chr11-77158395-C-CTG. GRCh37 (hg19) VCF-style: chr11-76869441-C-CTG.
Other names: c.969_970dup, p.Ala324fs (NM_001127180.2); c.936_937dup, p.Ala313fs (NM_001369365.1); short protein forms A313fs, A324fs.
Identifiers: ClinVar variation 5014300 (VCV005014300.1).